The following is an entry in ClinVar:

NM_001378454.1(ALMS1):c.11813T>G (p.Leu3938Arg)

Gene: ALMS1 (ALMS1 centrosome and basal body associated protein; plus strand). Cytogenetic location: 2p13.1.
Variant type: single nucleotide variant.
Coding change: c.11813T>G on transcript NM_001378454.1 (MANE Select); coding-DNA position 11813, T replaced by G.
Protein change: p.Leu3938Arg; replaces leucine 3938 with arginine.
Molecular consequence: missense variant.
Genome position (GRCh38, 1-based): chr2:73,600,822, T>G. VCF-style: chr2-73600822-T-G. GRCh37 (hg19) VCF-style: chr2-73827949-T-G.
Other names: c.11816T>G, p.Leu3939Arg (NM_015120.4); short protein forms L3939R, L3938R.
Identifiers: ClinVar variation 4721746 (VCV004721746.1).

ClinVar aggregate classification (germline): Uncertain significance (1 of 4 stars; one submission).

Conditions:
Alstrom syndrome (ALMS). Identifiers: Orphanet 64, MedGen C0268425, MONDO:0008763, OMIM 203800.

Submission:

Labcorp Genetics (formerly Invitae), Labcorp
Classification: Uncertain significance for Alstrom syndrome. Last evaluated: 2025-05-07. Review status: criteria provided, single submitter. Criteria: Invitae Variant Classification Sherloc (09022015). Collection method: clinical testing. Allele origin: germline.
Comment: This sequence change replaces leucine, which is neutral and non-polar, with arginine, which is basic and polar, at codon 3939 of the ALMS1 protein (p.Leu3939Arg). This variant is not present in population databases (gnomAD no frequency). This variant has not been reported in the literature in individuals affected with ALMS1-related conditions. Experimental studies and prediction algorithms are not available or were not evaluated, and the functional significance of this variant is currently unknown. In summary, the available evidence is currently insufficient to determine the role of this variant in disease. Therefore, it has been classified as a Variant of Uncertain Significance.